The following is an entry in ClinVar:

ClinVar aggregate classification (germline): Pathogenic/Likely pathogenic. Review status: criteria provided, multiple submitters, no conflicts (2 of 4 stars). 5 submissions from 5 submitters: Pathogenic (4); Likely pathogenic (1). Last evaluated 2024-05-13.

Conditions:
Hereditary cancer-predisposing syndrome. Also called: Hereditary neoplastic syndrome; Tumor predisposition; Neoplastic Syndromes, Hereditary; Hereditary Cancer Syndrome. Identifiers: Orphanet 140162, MedGen C0027672, MeSH D009386, MONDO:0015356.
Multiple endocrine neoplasia, type 1 (MEN1). Also called: MEN I; Endocrine adenomatosis multiple; MEN 1; WERMER SYNDROME; MEA I. Identifiers: Orphanet 652, MedGen C0025267, MeSH D018761, MONDO:0007540, OMIM 131100.

Submissions (5):

Labcorp Genetics (formerly Invitae), Labcorp
Classification: Pathogenic for Multiple endocrine neoplasia, type 1. Last evaluated: 2024-05-13. Review status: criteria provided, single submitter. Criteria: Invitae Variant Classification Sherloc (09022015). Collection method: clinical testing. Allele origin: germline.
Comment: This sequence change affects the initiator methionine of the MEN1 mRNA. The next in-frame methionine is located at codon 228. This variant is not present in population databases (gnomAD no frequency). Disruption of the initiator codon has been observed in individuals with multiple endocrine neoplasia type 1 (PMID: 28736585, 29036195; Invitae). ClinVar contains an entry for this variant (Variation ID: 428034). For these reasons, this variant has been classified as Pathogenic.

Ambry Genetics
Classification: Pathogenic for Hereditary cancer-predisposing syndrome. Last evaluated: 2024-03-07. Review status: criteria provided, single submitter. Criteria: Ambry Variant Classification Scheme 2023. Collection method: clinical testing. Allele origin: germline.
Comment: The p.M1? pathogenic mutation (also known as c.1A>T) is located in coding exon 1 of the MEN1 gene and results from an A to T substitution at nucleotide position 1. This alters the methionine residue at the initiation codon (ATG). This mutation has been reported in several individuals meeting clinical diagnostic criteria for multiple endocrine neoplasia type 1 (MEN1) (Ventura M et al. Arch Endocrinol Metab, 2019 Sep;63:516-523; Romanet P et al. J Clin Endocrinol Metab, 2019 03;104:753-764; Ambry internal data). This variant is considered to be rare based on population cohorts in the Genome Aggregation Database (gnomAD). In addition to the clinical data presented in the literature, sequence variations that modify the initiation codon are expected to result in either loss of translation initiation, N-terminal truncation, or cause a shift in the mRNA reading frame. Based on the supporting evidence, this alteration is interpreted as a disease-causing mutation.

Quest Diagnostics Nichols Institute San Juan Capistrano
Classification: Likely pathogenic. Last evaluated: 2023-11-03. Review status: criteria provided, single submitter. Criteria: Quest Diagnostics criteria. Collection method: clinical testing. Allele origin: unknown.
Comment: The MEN1 c.1A>T variant disrupts the translation initiation codon of the MEN1 mRNA and is predicted to interfere with MEN1 protein synthesis. This variant has not been reported in the published literature in individuals with MEN1 syndrome in the published literature. However, a different variant that occurs at the same position (MEN1 c.1A>G) has been reported in individuals with MEN1 syndrome (PMID: 26767918 (2015), 29036195 (2017))). This variant has not been reported in large, multi-ethnic general populations (Genome Aggregation Database). Based on the available information, this variant is classified as likely pathogenic.

Women's Health and Genetics/Laboratory Corporation of America, LabCorp
Classification: Pathogenic for Multiple endocrine neoplasia, type 1. Last evaluated: 2022-05-23. Review status: criteria provided, single submitter. Criteria: LabCorp Variant Classification Summary - May 2015. Collection method: clinical testing. Allele origin: germline.
Comment: Variant summary: MEN1 c.1A>T (p.Met1?) alters the initiation codon and is predicted to result either in absence of the protein or truncation of the encoded protein due to translation initiation at a downstream codon. Other start loss variants such as c.3G>A, c.2T>A and c.1A>G all translating to the same effect, namely p.M1? have been reported in association with Multiple Endocrine Neoplasia Type 1 supporting the essential impact of this variant to loss of function. The variant was absent in 160466 control chromosomes. Although this variant has been included in mutational updates reporting germline MEN1 variants and included in the UMD-MEN1 database (example, Concolino_2016, Romanet_2019), to our knowledge, no case level reports of the occurrence of c.1A>T in individuals affected with Multiple Endocrine Neoplasia Type 1 and no experimental evidence demonstrating its impact on protein function have been reported. Three clinical diagnostic laboratories have submitted clinical-significance assessments for this variant to ClinVar after 2014 without evidence for independent evaluation. All laboratories classified the variant as pathogenic. Based on the evidence outlined above, the variant was classified as pathogenic.

ARUP Laboratories, Molecular Genetics and Genomics, ARUP Laboratories
Classification: Pathogenic for Multiple endocrine neoplasia, type 1. Last evaluated: 2018-12-31. Review status: criteria provided, single submitter. Criteria: ARUP Molecular Germline Variant Investigation Process. Collection method: clinical testing. Allele origin: germline.
Comment: The MEN1 c.1A>T; p.Met1? variant is reported in the literature in at least one individual affected with multiple endocrine neoplasia, type 1 (Concolino 2016). This variant is reported in ClinVar (Variation ID: 428034), and is also absent from general population databases (1000 Genomes Project, Exome Variant Server, and Genome Aggregation Database), indicating it is not a common polymorphism. This variant affects the initiation codon and is predicted to affect the protein translation start site. Additionally, other variants affecting the initiation codon (c.1A>G, p.Met1?; c.2T>A, p.Met1?) have been reported in individuals with multiple endocrine neoplasia, type 1 and are considered pathogenic (Kaiwar 2017, Klein 2005, Pardi 2017, Remde 2015). Based on available information, the c.1A>T; p.Met1? variant is considered to be pathogenic. References: Concolino P et al. Multiple endocrine neoplasia type 1 (MEN1): An update of 208 new germline variants reported in the last nine years. Cancer Genet. 2016 Jan-Feb;209(1-2):36-41. Kaiwar C et al. Late onset asymptomatic pancreatic neuroendocrine tumor - A case report on the phenotypic expansion for MEN1. Hered Cancer Clin Pract. 2017 Jul 21;15:10. Klein RD et al. Clinical testing for multiple endocrine neoplasia type 1 in a DNA diagnostic laboratory. Genet Med. 2005 Feb;7(2):131-8. Pardi E et al. Mutational and large deletion study of genes implicated in hereditary forms of primary hyperparathyroidism and correlation with clinical features. PLoS One. 2017 Oct 16;12(10):e0186485. Remde H et al. A patient with novel mutations causing MEN1 and hereditary multiple osteochondroma. Endocrinol Diabetes Metab Case Rep. 2015;2015. pii: 14-0120.

Literature cited by the submitters: PubMed 28736585 (cited by Labcorp Genetics (formerly Invitae), Labcorp and Quest Diagnostics Nichols Institute San Juan Capistrano); PubMed 29036195 (cited by Labcorp Genetics (formerly Invitae), Labcorp); PubMed 30339208 (cited by 3 submitters); PubMed 31482957 (cited by Ambry Genetics); PubMed 26767918 (cited by Women's Health and Genetics/Laboratory Corporation of America, LabCorp).

NM_001370259.2(MEN1):c.1A>T (p.Met1Leu)

Gene: MEN1 (menin 1; minus strand). Cytogenetic location: 11q13.1.
Variant type: single nucleotide variant.
Coding change: c.1A>T on transcript NM_001370259.2 (MANE Select); coding-DNA position 1, A replaced by T.
Protein change: p.Met1Leu; changes the start codon (methionine 1).
Molecular consequence: missense variant, initiator codon variant.
Genome position (GRCh38, 1-based): chr11:64,810,109, T>A on the plus strand (A>T on the coding strand, the complement: MEN1 is on the minus strand). VCF-style: chr11-64810109-T-A. GRCh37 (hg19) VCF-style: chr11-64577581-T-A.
Other names: c.1A>T, p.Met1Leu (NM_000244.4, NM_001370251.2, NM_001370260.2 and 9 more transcripts); short protein forms M1L.
Identifiers: ClinVar variation 428034 (VCV000428034.22), dbSNP rs386134250, ClinGen allele CA381188344.